The following is an entry in ClinVar:

NM_001375524.1(TRRAP):c.7083C>T (p.Leu2361=)

Gene: TRRAP (transformation/transcription domain associated protein; plus strand). Cytogenetic location: 7q22.1.
Variant type: single nucleotide variant.
Coding change: c.7083C>T on transcript NM_001375524.1 (MANE Select); coding-DNA position 7083, C replaced by T.
Protein change: p.Leu2361=; no amino-acid change (leucine 2361 retained).
Molecular consequence: synonymous variant.
Genome position (GRCh38, 1-based): chr7:98,965,802, C>T. VCF-style: chr7-98965802-C-T. GRCh37 (hg19) VCF-style: chr7-98563425-C-T.
Other names: c.7062C>T, p.Leu2354= (NM_001244580.2); c.7008C>T, p.Leu2336= (NM_003496.4).
Identifiers: ClinVar variation 1028625 (VCV001028625.2), dbSNP rs1792126470, ClinGen allele CA456664352.

ClinVar aggregate classification (germline): Uncertain significance. Review status: criteria provided, multiple submitters, no conflicts (2 of 4 stars). 2 submissions from 2 submitters: Uncertain significance (2). Last evaluated 2024-03-25.

Conditions:
Developmental delay with or without dysmorphic facies and autism. Identifiers: MedGen C5193106, MONDO:0032760, OMIM 618454.

gnomAD v4.1: 2 of 1,614,146 alleles (0.00012%); highest among the groups gnomAD compares: Non-Finnish European, 0.000085%; no homozygotes.

Submissions (2):

Genomic Medicine Center of Excellence, King Faisal Specialist Hospital and Research Centre
Classification: Uncertain significance for Developmental delay with or without dysmorphic facies and autism. Last evaluated: 2024-03-25. Review status: criteria provided, single submitter. Criteria: ACMG Guidelines, 2015. Collection method: clinical testing. Allele origin: germline.

Baylor Genetics
Classification: Uncertain significance for Developmental delay with or without dysmorphic facies and autism. Last evaluated: 2020-06-09. Review status: criteria provided, single submitter. Criteria: ACMG Guidelines, 2015. Collection method: clinical testing. Allele origin: unknown. Affected: yes.
Comment: This variant was determined to be of uncertain significance according to ACMG Guidelines, 2015 [PMID:25741868].